The following is an entry in ClinVar:

ClinVar aggregate classification (germline): Conflicting classifications of pathogenicity. Review status: criteria provided, conflicting classifications (1 of 4 stars). 4 submissions from 4 submitters: Likely pathogenic (2); Uncertain significance (2). Last evaluated 2024-06-07.

Conditions:
Cardiovascular phenotype. Identifiers: MedGen CN230736.
Hypertrophic cardiomyopathy. Also called: HYPERTROPHIC MYOCARDIOPATHY. Identifiers: Orphanet 217569, MedGen C0007194, MeSH D002312, MONDO:0005045, HP:0001639.

Allele frequency attached by ClinVar (database versions not stated): TOPMed 0.00001.
gnomAD v4.1: 2 of 1,613,848 alleles (0.00012%); highest among the groups gnomAD compares: East Asian, 0.0022%; no homozygotes.

Submissions (4):

Molecular Diagnostic Laboratory for Inherited Cardiovascular Disease, Montreal Heart Institute
Classification: Likely pathogenic for Cardiovascular phenotype. Last evaluated: 2024-06-07. Review status: criteria provided, single submitter. Criteria: ACMG Guidelines, 2015. Collection method: clinical testing. Allele origin: germline. Affected: yes.
Comment: PS4_mod, PM2, PM5, PP3

GeneDx
Classification: Uncertain significance. Last evaluated: 2024-01-17. Review status: criteria provided, single submitter. Criteria: GeneDx Variant Classification Process June 2021. Collection method: clinical testing. Allele origin: germline. Affected: yes.
Comment: The R810L likely pathogenic variant in the MYBPC3 gene has been previously published in association with HCM (Millat et al., 2010; Olivotto et al., 2011). Millat et al. (2010) originally reported R810L in an individual with HCM who also harbored a second variant (R1022P) in the MYBPC3 gene. Olivotto et al. (2011) identified R810L independently in an individual with HCM. The R810L variant is not observed in large population cohorts (Lek et al., 2016; 1000 Genomes Consortium et al., 2015; Exome Variant Server). R810L is a non-conservative amino acid substitution, which is likely to impact secondary protein structure as these residues differ in polarity, charge, size and/or other properties. Moreover, this substitution occurs at a position that is conserved across species, and in silico analysis predicts this variant is probably damaging to the protein structure/function. Lastly, a missense variant in the same residue (R810H) and missense variants in nearby residues (G805S, I807N, K811R) have been reported in Human Gene Mutation Database in association with HCM (Stenson et al., 2014), further supporting the functional importance of this residue and region of the protein.

Labcorp Genetics (formerly Invitae), Labcorp
Classification: Uncertain significance for Hypertrophic cardiomyopathy. Last evaluated: 2023-07-07. Review status: criteria provided, single submitter. Criteria: Invitae Variant Classification Sherloc (09022015). Collection method: clinical testing. Allele origin: germline.
Comment: This variant is not present in population databases (gnomAD no frequency). In summary, the available evidence is currently insufficient to determine the role of this variant in disease. Therefore, it has been classified as a Variant of Uncertain Significance. This variant disrupts the p.Arg810 amino acid residue in MYBPC3. Other variant(s) that disrupt this residue have been determined to be pathogenic (PMID: 15519027, 25524337, 27483260, 28615295; Invitae). This suggests that this residue is clinically significant, and that variants that disrupt this residue are likely to be disease-causing. An algorithm developed to predict the effect of missense changes on protein structure and function (PolyPhen-2) suggests that this variant is likely to be disruptive. ClinVar contains an entry for this variant (Variation ID: 181127). This missense change has been observed in individual(s) with hypertrophic cardiomyopathy (HCM) (PMID: 20624503, 21835320). This sequence change replaces arginine, which is basic and polar, with leucine, which is neutral and non-polar, at codon 810 of the MYBPC3 protein (p.Arg810Leu).

Ambry Genetics
Classification: Likely pathogenic for Cardiovascular phenotype. Last evaluated: 2018-02-13. Review status: criteria provided, single submitter. Criteria: Ambry Variant Classification Scheme 2023. Collection method: clinical testing. Allele origin: germline.
Comment: The p.R810L variant (also known as c.2429G>T), located in coding exon 25 of the MYBPC3 gene, results from a G to T substitution at nucleotide position 2429. The arginine at codon 810 is replaced by leucine, an amino acid with dissimilar properties. This variant has been reported in several unrelated individuals with hypertrophic cardiomyopathy (HCM), although in one case other alterations were also detected (Millat G et al. Eur J Med Genet 2010 Jul; 53(5):261-7; Olivotto I et al. J. Am. Coll. Cardiol. 2011 Aug; 58(8):839-48). Additionally, another variant affecting the same amino acid, p.R810H (c.2429G>A), has also been identified in multiple HCM cases, though some individuals were positive for other cardiac variants as well (Nanni et al. Biochem Biophys Res Commun. 2003;309(2):391-8; Maron et al. Am J Cardiol. 2011;107(4):604-8; Roncarati et al. Cell Physiol. 2011;226(11):2894-900). This amino acid position is highly conserved in available vertebrate species. In addition, this alteration is predicted to be deleterious by in silico analysis. Based on the majority of available evidence to date, this variant is likely to be pathogenic.

Literature cited by the submitters: PubMed 15519027 (cited by Labcorp Genetics (formerly Invitae), Labcorp); PubMed 25524337 (cited by Labcorp Genetics (formerly Invitae), Labcorp); PubMed 27483260 (cited by Labcorp Genetics (formerly Invitae), Labcorp); PubMed 28615295 (cited by Labcorp Genetics (formerly Invitae), Labcorp); PubMed 20624503 (cited by Labcorp Genetics (formerly Invitae), Labcorp and Ambry Genetics); PubMed 21835320 (cited by Labcorp Genetics (formerly Invitae), Labcorp and Ambry Genetics).

NM_000256.3(MYBPC3):c.2429G>T (p.Arg810Leu)

Gene: MYBPC3 (myosin binding protein C3; minus strand). Cytogenetic location: 11p11.2.
Variant type: single nucleotide variant.
Coding change: c.2429G>T on transcript NM_000256.3 (MANE Select); coding-DNA position 2429, G replaced by T.
Protein change: p.Arg810Leu; replaces arginine 810 with leucine.
Molecular consequence: missense variant.
Genome position (GRCh38, 1-based): chr11:47,337,564, C>A on the plus strand (G>T on the coding strand, the complement: MYBPC3 is on the minus strand). VCF-style: chr11-47337564-C-A. GRCh37 (hg19) VCF-style: chr11-47359115-C-A.
Other names: p.R810L:CGC>CTC; c.2429G>T, p.Arg810Leu (LRG_386t1); short protein forms R810L.
Identifiers: ClinVar variation 181127 (VCV000181127.19), dbSNP rs375675796, ClinGen allele CA012244.